The following is an entry in ClinVar:

NM_001048174.2(MUTYH):c.382T>C (p.Trp128Arg)

Gene: MUTYH (mutY DNA glycosylase; minus strand). Cytogenetic location: 1p34.1.
Variant type: single nucleotide variant.
Coding change: c.382T>C on transcript NM_001048174.2 (MANE Select); coding-DNA position 382, T replaced by C.
Protein change: p.Trp128Arg; replaces tryptophan 128 with arginine.
Molecular consequence: missense variant. On other transcripts: non-coding transcript variant (2).
Genome position (GRCh38, 1-based): chr1:45,332,956, A>G on the plus strand (T>C on the coding strand, the complement: MUTYH is on the minus strand). VCF-style: chr1-45332956-A-G. GRCh37 (hg19) VCF-style: chr1-45798628-A-G.
Other names: c.382T>C, p.Trp128Arg (NM_001048171.2, NM_001048173.2, NM_001293195.2); c.385T>C, p.Trp129Arg (NM_001048172.2); c.466T>C, p.Trp156Arg (NM_001128425.2); c.427T>C, p.Trp143Arg (NM_001293190.2); c.415T>C, p.Trp139Arg (NM_001293191.2); c.106T>C, p.Trp36Arg (NM_001293192.2, NM_001293196.2); c.37T>C, p.Trp13Arg (NM_001350650.2, NM_001350651.2); c.457T>C, p.Trp153Arg (NM_012222.3); short protein forms W156R, W129R, W139R, W36R, W13R, W128R, W143R, W153R.
Identifiers: ClinVar variation 629132 (VCV000629132.5), dbSNP rs1557481282, ClinGen allele CA340136023.

ClinVar aggregate classification (germline): Uncertain significance (1 of 4 stars; one submission).

Conditions:
Hereditary cancer-predisposing syndrome. Also called: Neoplastic Syndromes, Hereditary; Tumor predisposition; Hereditary neoplastic syndrome; Hereditary Cancer Syndrome. Identifiers: Orphanet 140162, MedGen C0027672, MeSH D009386, MONDO:0015356.

Submission:

Color Diagnostics, LLC DBA Color Health
Classification: Uncertain significance for Hereditary cancer-predisposing syndrome. Last evaluated: 2023-12-04. Review status: criteria provided, single submitter. Criteria: ACMG Guidelines, 2015. Collection method: clinical testing. Allele origin: germline.
Comment: This missense variant replaces tryptophan with arginine at codon 156 of the MUTYH protein. Computational prediction suggests that this variant may have deleterious impact on protein structure and function (internally defined REVEL score threshold >= 0.7, PMID: 27666373). To our knowledge, functional studies have not been reported for this variant. This variant has not been reported in individuals affected with MUTYH-related disorders in the literature. This variant has not been identified in the general population by the Genome Aggregation Database (gnomAD). The available evidence is insufficient to determine the role of this variant in disease conclusively. Therefore, this variant is classified as a Variant of Uncertain Significance.